The following is an entry in ClinVar:

ClinVar aggregate classification (germline): Uncertain significance (1 of 4 stars; one submission).

Submission:

Ambry Genetics
Classification: Uncertain significance. Last evaluated: 2026-01-20. Review status: criteria provided, single submitter. Criteria: Ambry Variant Classification Scheme 2023. Collection method: clinical testing. Allele origin: germline.
Comment: The p.A215V variant (also known as c.644C>T), located in coding exon 5 of the RNF43 gene, results from a C to T substitution at nucleotide position 644. The alanine at codon 215 is replaced by valine, an amino acid with similar properties. This amino acid position is conserved. In addition, this alteration is predicted to be tolerated by in silico analysis. Based on the available evidence, the clinical significance of this variant remains unclear.

NM_017763.6(RNF43):c.644C>T (p.Ala215Val)

Gene: RNF43 (ring finger protein 43; minus strand). Cytogenetic location: 17q22.
Variant type: single nucleotide variant.
Coding change: c.644C>T on transcript NM_017763.6 (MANE Select); coding-DNA position 644, C replaced by T.
Protein change: p.Ala215Val; replaces alanine 215 with valine.
Molecular consequence: missense variant.
Genome position (GRCh38, 1-based): chr17:58,362,587, G>A on the plus strand (C>T on the coding strand, the complement: RNF43 is on the minus strand). VCF-style: chr17-58362587-G-A. GRCh37 (hg19) VCF-style: chr17-56439948-G-A.
Other names: c.644C>T, p.Ala215Val (NM_001305544.3, NM_001438820.1, NM_001438821.1 and 1 more transcripts); c.263C>T, p.Ala88Val (NM_001305545.2, NM_001437987.1); short protein forms A215V, A88V.
Identifiers: ClinVar variation 4844764 (VCV004844764.1).